The following is an entry in ClinVar:

ClinVar aggregate classification (germline): Conflicting classifications of pathogenicity. Review status: criteria provided, conflicting classifications (1 of 4 stars). 2 submissions from 2 submitters: Likely pathogenic (1); Uncertain significance (1). Last evaluated 2025-11-03.

Submissions (2):

GeneDx
Classification: Likely pathogenic. Last evaluated: 2025-11-03. Review status: criteria provided, single submitter. Criteria: GeneDx Variant Classification Process June 2021. Collection method: clinical testing. Allele origin: germline. Affected: yes.
Comment: Not observed at significant frequency in large population cohorts (gnomAD); In silico analysis supports that this missense variant has a deleterious effect on protein structure/function; Has not been previously published as pathogenic or benign to our knowledge

Blueprint Genetics
Classification: Uncertain significance. Last evaluated: 2020-01-31. Review status: criteria provided, single submitter. Criteria: ACMG Guidelines, 2015. Collection method: clinical testing. Allele origin: germline.

NM_201548.5(CERKL):c.424A>T (p.Asn142Tyr)

Gene: CERKL (CERK like autophagy regulator; minus strand). Cytogenetic location: 2q31.3.
Variant type: single nucleotide variant.
Coding change: c.424A>T on transcript NM_201548.5 (MANE Select); coding-DNA position 424, A replaced by T.
Protein change: p.Asn142Tyr; replaces asparagine 142 with tyrosine.
Molecular consequence: missense variant. On other transcripts: non-coding transcript variant (2).
Genome position (GRCh38, 1-based): chr2:181,603,894, T>A on the plus strand (A>T on the coding strand, the complement: CERKL is on the minus strand). VCF-style: chr2-181603894-T-A. GRCh37 (hg19) VCF-style: chr2-182468621-T-A.
Other names: c.424A>T, p.Asn142Tyr (NM_001030311.3, NM_001030312.3, NM_001030313.3 and 1 more transcripts); short protein forms N142Y.
Identifiers: ClinVar variation 1307377 (VCV001307377.4), dbSNP rs113425928, ClinGen allele CA349730024.
Genomic context (GRCh38, chr2:181,603,894, plus strand): 5'-TACCTGCCAATATTTTCTTGAACTGTCTAAACCATATGTCACAGTGGTCTTCACTTAAAT[T>A]AATAAGATCAAGTGTAGAATTCTTTAGTTTATTTTGTTCCTTTTTCAAGCAGATGAAGAG-3'
Protein context (NP_963842.1, residues 132-152): KLKNSTLDLI[Asn142Tyr]LSEDHCDIWF